The following is an entry in ClinVar:

ClinVar aggregate classification (germline): Uncertain significance (1 of 4 stars; one submission).

Allele frequency attached by ClinVar (database versions not stated): TOPMed 0.00001.

Submission:

GeneDx
Classification: Uncertain significance. Last evaluated: 2019-12-30. Review status: criteria provided, single submitter. Criteria: GeneDx Variant Classification Process June 2021. Collection method: clinical testing. Allele origin: germline. Affected: yes.
Comment: Not observed in large population cohorts (Lek et al., 2016); In silico analysis, which includes protein predictors and evolutionary conservation, supports that this variant does not alter protein structure/function; Has not been previously published as pathogenic or benign to our knowledge

NM_007325.5(GRIA3):c.1036G>A (p.Val346Met)

Gene: GRIA3 (glutamate ionotropic receptor AMPA type subunit 3; plus strand). Cytogenetic location: Xq25.
Variant type: single nucleotide variant.
Coding change: c.1036G>A on transcript NM_007325.5 (MANE Select); coding-DNA position 1036, G replaced by A.
Protein change: p.Val346Met; replaces valine 346 with methionine.
Molecular consequence: missense variant.
Genome position (GRCh38, 1-based): chrX:123,398,759, G>A. VCF-style: chrX-123398759-G-A. GRCh37 (hg19) VCF-style: chrX-122532610-G-A.
Other names: c.1036G>A, p.Val346Met (NM_000828.5); short protein forms V346M.
Identifiers: ClinVar variation 1311603 (VCV001311603.2), dbSNP rs1603133883, ClinGen allele CA414258249.
Genomic context (GRCh38, chrX:123,398,759, plus strand): 5'-AGGCAGCGAGTAGATGTGTCCCGGAGAGGAAGTGCTGGAGACTGCTTAGCAAATCCTGCT[G>A]TGCCCTGGAGTCAAGGAATTGATATTGAGAGAGCTCTGAAAATGGTAAAGACCACAATGG-3'
Protein context (NP_015564.5, residues 336-356): SAGDCLANPA[Val346Met]PWSQGIDIER